The following is an entry in ClinVar:

NM_000179.3(MSH6):c.1544G>C (p.Arg515Thr)

Gene: MSH6 (mutS homolog 6; plus strand). Cytogenetic location: 2p16.3.
Variant type: single nucleotide variant.
Coding change: c.1544G>C on transcript NM_000179.3 (MANE Select); coding-DNA position 1544, G replaced by C.
Protein change: p.Arg515Thr; replaces arginine 515 with threonine.
Molecular consequence: missense variant. On other transcripts: non-coding transcript variant (4), intron variant (1).
Genome position (GRCh38, 1-based): chr2:47,799,527, G>C. VCF-style: chr2-47799527-G-C. GRCh37 (hg19) VCF-style: chr2-48026666-G-C.
Other names: c.638G>C, p.Arg213Thr (NM_001406815.1, NM_001281493.2, NM_001281494.2 and 6 more transcripts); c.1376G>C, p.Arg459Thr (NM_001406826.1); c.1247G>C, p.Arg416Thr (NM_001406827.1, NM_001406828.1, NM_001406830.1 and 10 more transcripts); c.1154G>C, p.Arg385Thr (NM_001281492.2); c.1640G>C, p.Arg547Thr (NM_001406795.1, NM_001406802.1); c.1019G>C, p.Arg340Thr (NM_001406806.1, NM_001406807.1, NM_001406799.1); c.1544G>C, p.Arg515Thr (NM_001406808.1, NM_001406809.1, NM_001406796.1 and 4 more transcripts); c.1550G>C, p.Arg517Thr (NM_001406813.1); and 2 more; short protein forms R213T, R340T, R416T, R547T, R459T, R489T, R515T, R517T.
Identifiers: ClinVar variation 3633935 (VCV003633935.2).

ClinVar aggregate classification (germline): Uncertain significance (1 of 4 stars; one submission).

Conditions:
Hereditary nonpolyposis colorectal neoplasms. Identifiers: MedGen C0009405, MeSH D003123.

gnomAD v4.1: 1 of 1,614,152 alleles (0.000062%); highest among the groups gnomAD compares: Non-Finnish European, 0.000085%; no homozygotes.

Submission:

Labcorp Genetics (formerly Invitae), Labcorp
Classification: Uncertain significance for Hereditary nonpolyposis colorectal neoplasms. Last evaluated: 2024-04-29. Review status: criteria provided, single submitter. Criteria: Invitae Variant Classification Sherloc (09022015). Collection method: clinical testing. Allele origin: germline.
Comment: This sequence change replaces arginine, which is basic and polar, with threonine, which is neutral and polar, at codon 515 of the MSH6 protein (p.Arg515Thr). This variant is not present in population databases (gnomAD no frequency). This variant has not been reported in the literature in individuals affected with MSH6-related conditions. Advanced modeling of protein sequence and biophysical properties (such as structural, functional, and spatial information, amino acid conservation, physicochemical variation, residue mobility, and thermodynamic stability) has been performed at Invitae for this missense variant, however the output from this modeling did not meet the statistical confidence thresholds required to predict the impact of this variant on MSH6 protein function. In summary, the available evidence is currently insufficient to determine the role of this variant in disease. Therefore, it has been classified as a Variant of Uncertain Significance.